The following is an entry in ClinVar:

ClinVar aggregate classification (germline): Uncertain significance (1 of 4 stars; one submission).

Submission:

Labcorp Genetics (formerly Invitae), Labcorp
Classification: Uncertain significance. Last evaluated: 2022-03-08. Review status: criteria provided, single submitter. Criteria: Invitae Variant Classification Sherloc (09022015). Collection method: clinical testing. Allele origin: germline.
Comment: In summary, the available evidence is currently insufficient to determine the role of this variant in disease. Therefore, it has been classified as a Variant of Uncertain Significance. Algorithms developed to predict the effect of missense changes on protein structure and function are either unavailable or do not agree on the potential impact of this missense change (SIFT: "Deleterious"; PolyPhen-2: "Possibly Damaging"; Align-GVGD: "Class C0"). This variant has not been reported in the literature in individuals affected with ITPR1-related conditions. This variant is not present in population databases (gnomAD no frequency). This sequence change replaces proline, which is neutral and non-polar, with threonine, which is neutral and polar, at codon 2694 of the ITPR1 protein (p.Pro2694Thr).

NM_001378452.1(ITPR1):c.8269C>A (p.Pro2757Thr)

Gene: ITPR1 (inositol 1,4,5-trisphosphate receptor type 1; plus strand). Cytogenetic location: 3p26.1.
Variant type: single nucleotide variant.
Coding change: c.8269C>A on transcript NM_001378452.1 (MANE Select); coding-DNA position 8269, C replaced by A.
Protein change: p.Pro2757Thr; replaces proline 2757 with threonine.
Molecular consequence: missense variant.
Genome position (GRCh38, 1-based): chr3:4,846,217, C>A. VCF-style: chr3-4846217-C-A. GRCh37 (hg19) VCF-style: chr3-4887901-C-A.
Other names: c.8125C>A, p.Pro2709Thr (NM_001099952.4); c.8224C>A, p.Pro2742Thr (NM_001168272.2); c.8080C>A, p.Pro2694Thr (NM_002222.7); short protein forms P2757T, P2742T, P2694T, P2709T.
Identifiers: ClinVar variation 1482404 (VCV001482404.6), dbSNP rs1314021980, ClinGen allele CA351794942.